The following is an entry in ClinVar:

ClinVar aggregate classification (germline): Uncertain significance (1 of 4 stars; one submission).

Conditions:
Usher syndrome type 3B. Also called: USHER SYNDROME, TYPE IIIB. Identifiers: MedGen C3281066, MONDO:0013788, OMIM 614504.

Submission:

Labcorp Genetics (formerly Invitae), Labcorp
Classification: Uncertain significance for Usher syndrome type 3B. Last evaluated: 2022-06-22. Review status: criteria provided, single submitter. Criteria: Invitae Variant Classification Sherloc (09022015). Collection method: clinical testing. Allele origin: germline.
Comment: In summary, the available evidence is currently insufficient to determine the role of this variant in disease. Therefore, it has been classified as a Variant of Uncertain Significance. Algorithms developed to predict the effect of missense changes on protein structure and function are either unavailable or do not agree on the potential impact of this missense change (SIFT: "Deleterious"; PolyPhen-2: "Probably Damaging"; Align-GVGD: "Class C0"). This variant has not been reported in the literature in individuals affected with HARS-related conditions. This variant is not present in population databases (gnomAD no frequency). This sequence change replaces methionine, which is neutral and non-polar, with leucine, which is neutral and non-polar, at codon 185 of the HARS protein (p.Met185Leu).

NM_002109.6(HARS1):c.553A>T (p.Met185Leu)

Gene: HARS1 (histidyl-tRNA synthetase 1; minus strand). Cytogenetic location: 5q31.3.
Variant type: single nucleotide variant.
Coding change: c.553A>T on transcript NM_002109.6 (MANE Select); coding-DNA position 553, A replaced by T.
Protein change: p.Met185Leu; replaces methionine 185 with leucine.
Molecular consequence: missense variant.
Genome position (GRCh38, 1-based): chr5:140,677,985, T>A on the plus strand (A>T on the coding strand, the complement: HARS1 is on the minus strand). VCF-style: chr5-140677985-T-A. GRCh37 (hg19) VCF-style: chr5-140057570-T-A.
Other names: c.433A>T, p.Met145Leu (NM_001258040.3); c.493A>T, p.Met165Leu (NM_001258041.3); c.373A>T, p.Met125Leu (NM_001258042.3); c.331A>T, p.Met111Leu (NM_001289092.2); c.211A>T, p.Met71Leu (NM_001289093.2); c.466A>T, p.Met156Leu (NM_001289094.2); short protein forms M111L, M125L, M185L, M165L, M71L, M145L, M156L.
Identifiers: ClinVar variation 2009442 (VCV002009442.4), dbSNP rs1387154351, ClinGen allele CA361255870.